The following is an entry in ClinVar:

ClinVar aggregate classification (germline): Pathogenic (1 of 4 stars; one submission).

Conditions:
Osteogenesis imperfecta type I (OI1). Also called: OI, TYPE I; OSTEOGENESIS IMPERFECTA TARDA; OSTEOGENESIS IMPERFECTA WITH BLUE SCLERAE; Osteogenesis imperfecta type 1; Classic Non-deforming Osteogenesis Imperfecta with Blue Sclerae; Lobstein's Disease. Identifiers: Orphanet 216796, Orphanet 666, MedGen C0023931, MONDO:0008146, OMIM 166200. Disease mechanism: loss of function.

Submission:

Labcorp Genetics (formerly Invitae), Labcorp
Classification: Pathogenic for Osteogenesis imperfecta type I. Last evaluated: 2025-07-10. Review status: criteria provided, single submitter. Criteria: Invitae Variant Classification Sherloc (09022015). Collection method: clinical testing. Allele origin: germline.
Comment: This sequence change affects an acceptor splice site in intron 20 of the COL1A1 gene. It is expected to disrupt RNA splicing. Variants that disrupt the donor or acceptor splice site typically lead to a loss of protein function (PMID: 16199547), and loss-of-function variants in COL1A1 are known to be pathogenic (PMID: 7942841, 9295084, 9443882). This variant is not present in population databases (gnomAD no frequency). Disruption of this splice site has been observed in individuals with osteogenesis imperfecta (PMID: 25963598; internal data). Algorithms developed to predict the effect of sequence changes on RNA splicing suggest that this variant may disrupt the consensus splice site. For these reasons, this variant has been classified as Pathogenic.

Literature cited by the submitters: PubMed 16199547; PubMed 7942841; PubMed 9295084; PubMed 9443882; PubMed 25963598.

NM_000088.4(COL1A1):c.1354-1G>A

Gene: COL1A1 (collagen type I alpha 1 chain; minus strand). Cytogenetic location: 17q21.33.
Variant type: single nucleotide variant.
Coding change: c.1354-1G>A on transcript NM_000088.4 (MANE Select); the canonical splice acceptor site of the intron before coding-DNA position 1354, G replaced by A.
Molecular consequence: splice acceptor variant.
Genome position (GRCh38, 1-based): chr17:50,194,829, C>T on the plus strand (G>A on the coding strand, the complement: COL1A1 is on the minus strand). VCF-style: chr17-50194829-C-T. GRCh37 (hg19) VCF-style: chr17-48272190-C-T.
Identifiers: ClinVar variation 4710412 (VCV004710412.1).
Genomic context (GRCh38, chr17:50,194,829, plus strand): 5'-AGCTCCTCGCTTTCCTTCCTCTCCAGCAGGGCCAGGGGGTCCTTGAACACCAACAGGGCC[C>T]TGGAGAGGGCCGAGAGGAGGAGGCGGCCTGTGGTGAGGGGCCATCCTGTGCCAGCCTCAG-3'